The following is an entry in ClinVar:

ClinVar aggregate classification (germline): Uncertain significance (1 of 4 stars; one submission).

Conditions:
TMEM67-related disorder. Also called: TMEM67-related disorders; TMEM67-related condition. Identifiers: MedGen CN239423.

Submission:

PreventionGenetics, part of Exact Sciences
Classification: Uncertain significance for TMEM67-related condition. Last evaluated: 2026-03-27. Review status: criteria provided, single submitter. Criteria: ACMG Guidelines, 2015. Collection method: clinical testing. Allele origin: germline.
Comment: The TMEM67 c.377A>T variant is predicted to result in the amino acid substitution p.Lys126Ile. To our knowledge, this variant has not been reported in the literature or in a large population database (gnomAD), indicating this variant is rare. At this time, the clinical significance of this variant is uncertain due to the absence of conclusive functional and genetic evidence.

NM_153704.6(TMEM67):c.377A>T (p.Lys126Ile)

Gene: TMEM67 (transmembrane protein 67; plus strand). Cytogenetic location: 8q22.1.
Variant type: single nucleotide variant.
Coding change: c.377A>T on transcript NM_153704.6 (MANE Select); coding-DNA position 377, A replaced by T.
Protein change: p.Lys126Ile; replaces lysine 126 with isoleucine.
Molecular consequence: missense variant. On other transcripts: 5 prime UTR variant (1), non-coding transcript variant (1).
Genome position (GRCh38, 1-based): chr8:93,758,547, A>T. VCF-style: chr8-93758547-A-T. GRCh37 (hg19) VCF-style: chr8-94770775-A-T.
Other names: c.-1A>T (NM_001142301.1); short protein forms K126I.
Identifiers: ClinVar variation 4996224 (VCV004996224.1).
Genomic context (GRCh38, chr8:93,758,547, plus strand): 5'-GTGTTACAGAAGATGGCTGGAACTGCATTTCTTGCCCTAGTGACTTAACTGCCGAAGGAA[A>T]ATGTCACTGTCCCATTGGCCATATTTTAGGTAAGAATTAGATTCCTTATAAAGAAGTAGT-3'
Protein context (NP_714915.3, residues 116-136): SCPSDLTAEG[Lys126Ile]CHCPIGHILV